The following is an entry in ClinVar:

ClinVar aggregate classification (germline): Uncertain significance. Review status: criteria provided, multiple submitters, no conflicts (2 of 4 stars). 2 submissions from 2 submitters: Uncertain significance (2). Last evaluated 2025-04-28.

Conditions:
Tuberous sclerosis 1 (TSC1). Identifiers: Orphanet 805, MedGen C1854465, MONDO:0008612, OMIM 191100.
Hereditary cancer-predisposing syndrome. Also called: Tumor predisposition; Hereditary neoplastic syndrome; Neoplastic Syndromes, Hereditary; Hereditary Cancer Syndrome. Identifiers: Orphanet 140162, MedGen C0027672, MeSH D009386, MONDO:0015356.

Allele frequency attached by ClinVar (database versions not stated): gnomAD exomes below 0.00001.
gnomAD v4.1: 1 of 1,613,966 alleles (0.000062%); highest among the groups gnomAD compares: African/African-American, 0.0013%; no homozygotes.

Submissions (2):

Ambry Genetics
Classification: Uncertain significance for Hereditary cancer-predisposing syndrome. Last evaluated: 2025-04-28. Review status: criteria provided, single submitter. Criteria: Ambry Variant Classification Scheme 2023. Collection method: clinical testing. Allele origin: germline.
Comment: The p.S331N variant (also known as c.992G>A), located in coding exon 8 of the TSC1 gene, results from a G to A substitution at nucleotide position 992. The serine at codon 331 is replaced by asparagine, an amino acid with highly similar properties. This amino acid position is conserved. In addition, the in silico prediction for this alteration is inconclusive. Based on the available evidence, the clinical significance of this variant remains unclear.

Labcorp Genetics (formerly Invitae), Labcorp
Classification: Uncertain significance for Tuberous sclerosis 1. Last evaluated: 2021-09-04. Review status: criteria provided, single submitter. Criteria: Invitae Variant Classification Sherloc (09022015). Collection method: clinical testing. Allele origin: germline.
Comment: This sequence change replaces serine with asparagine at codon 331 of the TSC1 protein (p.Ser331Asn). The serine residue is moderately conserved and there is a small physicochemical difference between serine and asparagine. This variant is not present in population databases (ExAC no frequency). This variant has not been reported in the literature in individuals affected with TSC1-related conditions. Algorithms developed to predict the effect of missense changes on protein structure and function (SIFT, PolyPhen-2, Align-GVGD) all suggest that this variant is likely to be tolerated. In summary, the available evidence is currently insufficient to determine the role of this variant in disease. Therefore, it has been classified as a Variant of Uncertain Significance.

NM_000368.5(TSC1):c.992G>A (p.Ser331Asn)

Gene: TSC1 (TSC complex subunit 1; minus strand). Cytogenetic location: 9q34.13.
Variant type: single nucleotide variant.
Coding change: c.992G>A on transcript NM_000368.5 (MANE Select); coding-DNA position 992, G replaced by A.
Protein change: p.Ser331Asn; replaces serine 331 with asparagine.
Molecular consequence: missense variant.
Genome position (GRCh38, 1-based): chr9:132,911,490, C>T on the plus strand (G>A on the coding strand, the complement: TSC1 is on the minus strand). VCF-style: chr9-132911490-C-T. GRCh37 (hg19) VCF-style: chr9-135786877-C-T.
Other names: c.992G>A (NM_000368.4); c.992G>A, p.Ser331Asn (NM_001162426.2); c.839G>A, p.Ser280Asn (NM_001162427.2); c.629G>A, p.Ser210Asn (NM_001362177.2); short protein forms S280N, S331N, S210N.
Identifiers: ClinVar variation 1379503 (VCV001379503.7), dbSNP rs2131976184, ClinGen allele CA375368590.